The following is an entry in ClinVar:

NM_001077350.3(NPRL3):c.1643G>T (p.Arg548Leu)

Gene: NPRL3 (NPR3 like, GATOR1 complex subunit; minus strand). Cytogenetic location: 16p13.3.
Variant type: single nucleotide variant.
Coding change: c.1643G>T on transcript NM_001077350.3 (MANE Select); coding-DNA position 1643, G replaced by T.
Protein change: p.Arg548Leu; replaces arginine 548 with leucine.
Molecular consequence: missense variant.
Genome position (GRCh38, 1-based): chr16:86,772, C>A on the plus strand (G>T on the coding strand, the complement: NPRL3 is on the minus strand). VCF-style: chr16-86772-C-A. GRCh37 (hg19) VCF-style: chr16-136771-C-A.
Other names: c.1106G>T, p.Arg369Leu (NM_001039476.3); c.1409G>T, p.Arg470Leu (NM_001243247.2); c.1568G>T, p.Arg523Leu (NM_001243248.2, NM_001243249.2); short protein forms R369L, R470L, R523L, R548L.
Identifiers: ClinVar variation 1709488 (VCV001709488.2), dbSNP rs367598130, ClinGen allele CA394044459.

ClinVar aggregate classification (germline): Uncertain significance (1 of 4 stars; one submission).

Conditions:
Epilepsy, familial focal, with variable foci 3 (FFEVF3). Identifiers: MedGen C4310708, MONDO:0014925, OMIM 617118.

gnomAD v4.1: 8 of 1,601,314 alleles (0.0005%); highest among the groups gnomAD compares: Admixed American, 0.0017%; no homozygotes.

Submission:

MGZ Medical Genetics Center
Classification: Uncertain significance for Epilepsy, familial focal, with variable foci 3. Last evaluated: 2022-07-19. Review status: criteria provided, single submitter. Criteria: ACMG Guidelines, 2015. Collection method: clinical testing. Allele origin: germline. Affected: yes. Observed: 2 variant alleles.
Comment: ACMG criteria applied: PM2_SUP, PP3